The following is an entry in ClinVar:

ClinVar aggregate classification (germline): Conflicting classifications of pathogenicity. Review status: criteria provided, conflicting classifications (1 of 4 stars). 3 submissions from 3 submitters: Uncertain significance (2); Likely benign (1). Last evaluated 2026-01-22.

Conditions:
Autosomal recessive nonsyndromic hearing loss 9. Also called: NEUROSENSORY NONSYNDROMIC RECESSIVE DEAFNESS 9; Deafness, autosomal recessive 9; OTOF-Related Hearing Loss; AUDITORY NEUROPATHY, AUTOSOMAL RECESSIVE, 1, TEMPERATURE-SENSITIVE. Identifiers: Orphanet 90636, MedGen C1832828, MONDO:0010986, OMIM 601071.

Allele frequency attached by ClinVar (database versions not stated): TOPMed 0.00011; gnomAD 0.00009.
gnomAD v4.1: 62 of 1,613,036 alleles (0.0038%); highest among the groups gnomAD compares: Admixed American, 0.022%; no homozygotes.

Submissions (3):

Labcorp Genetics (formerly Invitae), Labcorp
Classification: Likely benign. Last evaluated: 2026-01-22. Review status: criteria provided, single submitter. Criteria: Invitae Variant Classification Sherloc (09022015). Collection method: clinical testing. Allele origin: germline.

GeneDx
Classification: Uncertain significance. Last evaluated: 2024-12-11. Review status: criteria provided, single submitter. Criteria: GeneDx Variant Classification Process June 2021. Collection method: clinical testing. Allele origin: germline.
Comment: In silico analysis indicates that this missense variant does not alter protein structure/function; Has not been previously published as pathogenic or benign to our knowledge

Illumina Laboratory Services, Illumina
Classification: Uncertain significance for Autosomal recessive nonsyndromic hearing loss 9. Last evaluated: 2018-01-13. Review status: criteria provided, single submitter. Criteria: ICSL Variant Classification Criteria 13 December 2019. Collection method: clinical testing. Allele origin: germline.

NM_194248.3(OTOF):c.3746G>A (p.Arg1249Gln)

Gene: OTOF (otoferlin; minus strand). Cytogenetic location: 2p23.3.
Variant type: single nucleotide variant.
Coding change: c.3746G>A on transcript NM_194248.3 (MANE Select); coding-DNA position 3746, G replaced by A.
Protein change: p.Arg1249Gln; replaces arginine 1249 with glutamine.
Molecular consequence: missense variant. On other transcripts: intron variant (2).
Genome position (GRCh38, 1-based): chr2:26,472,637, C>T on the plus strand (G>A on the coding strand, the complement: OTOF is on the minus strand). VCF-style: chr2-26472637-C-T. GRCh37 (hg19) VCF-style: chr2-26695505-C-T.
Other names: c.3746G>A, p.Arg1249Gln (NM_001287489.2); c.1676G>A, p.Arg559Gln (NM_194322.3); c.1493-48G>A (NM_194323.3, NM_004802.4); short protein forms R1249Q, R559Q.
Identifiers: ClinVar variation 899145 (VCV000899145.9), dbSNP rs200312028, ClinGen allele CA1563434.